The following is an entry in ClinVar:

ClinVar aggregate classification (germline): Uncertain significance. Review status: criteria provided, multiple submitters, no conflicts (2 of 4 stars). 3 submissions from 3 submitters: Uncertain significance (3). Last evaluated 2023-09-04.

Conditions:
Hereditary cancer-predisposing syndrome. Also called: Neoplastic Syndromes, Hereditary; Tumor predisposition; Hereditary neoplastic syndrome; Hereditary Cancer Syndrome. Identifiers: Orphanet 140162, MedGen C0027672, MeSH D009386, MONDO:0015356.
Hereditary breast ovarian cancer syndrome. Also called: Hereditary breast and ovarian cancer syndrome; Breast and ovarian cancer; Hereditary breast and/or ovarian cancer syndrome; Hereditary breast and ovarian cancer; BRCA1- and BRCA2-Associated Hereditary Breast and Ovarian Cancer; Hereditary breast and ovarian cancer syndrome (HBOC). Identifiers: Orphanet 145, MedGen C0677776, MeSH D061325, MONDO:0003582. Disease mechanism: loss of function.
Breast-ovarian cancer, familial, susceptibility to, 2 (BROVCA2). Also called: BRCA2 Hereditary Breast and Ovarian Cancer. Identifiers: Orphanet 145, MedGen C2675520, MONDO:0012933, OMIM 612555. Disease mechanism: loss of function.

Submissions (3):

Labcorp Genetics (formerly Invitae), Labcorp
Classification: Uncertain significance for Hereditary breast ovarian cancer syndrome. Last evaluated: 2023-09-04. Review status: criteria provided, single submitter. Criteria: Invitae Variant Classification Sherloc (09022015). Collection method: clinical testing. Allele origin: germline.
Comment: In summary, the available evidence is currently insufficient to determine the role of this variant in disease. Therefore, it has been classified as a Variant of Uncertain Significance. Advanced modeling of protein sequence and biophysical properties (such as structural, functional, and spatial information, amino acid conservation, physicochemical variation, residue mobility, and thermodynamic stability) performed at Invitae indicates that this missense variant is not expected to disrupt BRCA2 protein function. This sequence change replaces isoleucine, which is neutral and non-polar, with asparagine, which is neutral and polar, at codon 2437 of the BRCA2 protein (p.Ile2437Asn). This variant is not present in population databases (gnomAD no frequency). This variant has not been reported in the literature in individuals affected with BRCA2-related conditions. ClinVar contains an entry for this variant (Variation ID: 1758261).

All of Us Research Program, National Institutes of Health
Classification: Uncertain significance for Breast-ovarian cancer, familial, susceptibility to, 2. Last evaluated: 2023-05-16. Review status: criteria provided, single submitter. Criteria: ACMG Guidelines, 2015. Collection method: clinical testing. Allele origin: germline. Inheritance: Autosomal dominant inheritance. Observed: 1 variant allele, 1 heterozygote.
Comment: This missense variant replaces isoleucine with asparagine at codon 2437 of the BRCA2 protein. Computational prediction suggests that this variant may not impact protein structure and function (internally defined REVEL score threshold <= 0.5, PMID: 27666373). To our knowledge, functional studies have not been reported for this variant. This variant has not been reported in individuals affected with BRCA2-related disorders in the literature. This variant has not been identified in the general population by the Genome Aggregation Database (gnomAD). The available evidence is insufficient to determine the role of this variant in disease conclusively. Therefore, this variant is classified as a Variant of Uncertain Significance.

This study involves interpretation of variants in research participants for the purpose of population health screening. Participant phenotype was not available at the time of variant classification. Additional details can be found in publication PMID: 35346344, PMCID: PMC8962531

Ambry Genetics
Classification: Uncertain significance for Hereditary cancer-predisposing syndrome. Last evaluated: 2020-02-12. Review status: criteria provided, single submitter. Criteria: Ambry Variant Classification Scheme 2023. Collection method: clinical testing. Allele origin: germline.
Comment: The p.I2437N variant (also known as c.7310T>A), located in coding exon 13 of the BRCA2 gene, results from a T to A substitution at nucleotide position 7310. The isoleucine at codon 2437 is replaced by asparagine, an amino acid with dissimilar properties. This amino acid position is poorly conserved in available vertebrate species. In addition, this alteration is predicted to be tolerated by in silico analysis. Since supporting evidence is limited at this time, the clinical significance of this alteration remains unclear.

NM_000059.4(BRCA2):c.7310T>A (p.Ile2437Asn)

Gene: BRCA2 (BRCA2 DNA repair associated; plus strand). Cytogenetic location: 13q13.1.
Variant type: single nucleotide variant.
Coding change: c.7310T>A on transcript NM_000059.4 (MANE Select); coding-DNA position 7310, T replaced by A.
Protein change: p.Ile2437Asn; replaces isoleucine 2437 with asparagine.
Molecular consequence: missense variant.
Genome position (GRCh38, 1-based): chr13:32,355,163, T>A. VCF-style: chr13-32355163-T-A. GRCh37 (hg19) VCF-style: chr13-32929300-T-A.
Other names: c.7214T>A, p.Ile2405Asn (NM_001406719.1); c.7310T>A, p.Ile2437Asn (NM_001406720.1); c.2378T>A, p.Ile793Asn (NM_001406721.1); c.893T>A, p.Ile298Asn (NM_001406722.1); short protein forms I793N, I298N, I2405N, I2437N.
Identifiers: ClinVar variation 1758261 (VCV001758261.6), dbSNP rs1593918340, ClinGen allele CA387741022.